The following is an entry in ClinVar:

ClinVar aggregate classification (germline): Uncertain significance (1 of 4 stars; one submission).

Conditions:
Osteogenesis imperfecta type I (OI1). Also called: Lobstein disease; Lobstein's Disease; OI, TYPE I; OSTEOGENESIS IMPERFECTA TARDA; OSTEOGENESIS IMPERFECTA WITH BLUE SCLERAE; Osteogenesis imperfecta type 1. Identifiers: Orphanet 216796, Orphanet 666, MedGen C0023931, MONDO:0008146, OMIM 166200. Disease mechanism: loss of function.

Allele frequency attached by ClinVar (database versions not stated): gnomAD exomes below 0.00001.
gnomAD v4.1: 2 of 1,614,124 alleles (0.00012%); highest among the groups gnomAD compares: Non-Finnish European, 0.00017%; no homozygotes.

Submission:

Labcorp Genetics (formerly Invitae), Labcorp
Classification: Uncertain significance for Osteogenesis imperfecta type I. Last evaluated: 2021-02-15. Review status: criteria provided, single submitter. Criteria: Invitae Variant Classification Sherloc (09022015). Collection method: clinical testing. Allele origin: germline.
Comment: This sequence change replaces arginine with cysteine at codon 1214 of the COL1A1 protein (p.Arg1214Cys). The arginine residue is moderately conserved and there is a large physicochemical difference between arginine and cysteine. This variant is not present in population databases (ExAC no frequency). This variant has not been reported in the literature in individuals with COL1A1-related conditions. Algorithms developed to predict the effect of missense changes on protein structure and function are either unavailable or do not agree on the potential impact of this missense change (SIFT: "Tolerated"; PolyPhen-2: "Not Available"; Align-GVGD: "Class C0"). In summary, the available evidence is currently insufficient to determine the role of this variant in disease. Therefore, it has been classified as a Variant of Uncertain Significance.

NM_000088.4(COL1A1):c.3640C>T (p.Arg1214Cys)

Gene: COL1A1 (collagen type I alpha 1 chain; minus strand). Cytogenetic location: 17q21.33.
Variant type: single nucleotide variant.
Coding change: c.3640C>T on transcript NM_000088.4 (MANE Select); coding-DNA position 3640, C replaced by T.
Protein change: p.Arg1214Cys; replaces arginine 1214 with cysteine.
Molecular consequence: missense variant.
Genome position (GRCh38, 1-based): chr17:50,186,814, G>A on the plus strand (C>T on the coding strand, the complement: COL1A1 is on the minus strand). VCF-style: chr17-50186814-G-A. GRCh37 (hg19) VCF-style: chr17-48264175-G-A.
Other names: short protein forms R1214C.
Identifiers: ClinVar variation 1486023 (VCV001486023.8), dbSNP rs2144537191, ClinGen allele CA400197574.
Genomic context (GRCh38, chr17:50,186,814, plus strand): 5'-TGGTGTCCACCTCGAGGTCACGGTCACGAACCACATTGGCATCATCAGCCCGGTAGTAGC[G>A]GCCACCATCGTGAGCCTTCTCTTGAGGTGGCTGGGGCAGGAAGCTGAAGTCGAAACCAGC-3'
Protein context (NP_000079.2, residues 1204-1224): PPQEKAHDGG[Arg1214Cys]YYRADDANVV